The following is an entry in ClinVar:

ClinVar aggregate classification (germline): Uncertain significance. Review status: criteria provided, multiple submitters, no conflicts (2 of 4 stars). 2 submissions from 2 submitters: Uncertain significance (2). Last evaluated 2026-01-09.

Conditions:
Inborn genetic diseases. Identifiers: MedGen C0950123, MeSH D030342.

Submissions (2):

Ambry Genetics
Classification: Uncertain significance for Inborn genetic diseases. Last evaluated: 2026-01-09. Review status: criteria provided, single submitter. Criteria: Ambry Variant Classification Scheme 2023. Collection method: clinical testing. Allele origin: germline.
Comment: The p.Q1193E variant (also known as c.3577C>G), located in coding exon 14 of the FANCM gene, results from a C to G substitution at nucleotide position 3577. The glutamine at codon 1193 is replaced by glutamic acid, an amino acid with highly similar properties. This amino acid position is conserved. In addition, this alteration is predicted to be tolerated by in silico analysis. Based on the available evidence, the clinical significance of this variant remains unclear.

GeneDx
Classification: Uncertain significance. Last evaluated: 2023-11-26. Review status: criteria provided, single submitter. Criteria: GeneDx Variant Classification Process June 2021. Collection method: clinical testing. Allele origin: germline. Affected: yes.
Comment: Not observed at significant frequency in large population cohorts (gnomAD); In silico analysis supports that this missense variant does not alter protein structure/function; Has not been previously published as pathogenic or benign to our knowledge

NM_020937.4(FANCM):c.3577C>G (p.Gln1193Glu)

Gene: FANCM (FA complementation group M; plus strand). Cytogenetic location: 14q21.2.
Variant type: single nucleotide variant.
Coding change: c.3577C>G on transcript NM_020937.4 (MANE Select); coding-DNA position 3577, C replaced by G.
Protein change: p.Gln1193Glu; replaces glutamine 1193 with glutamic acid.
Molecular consequence: missense variant.
Genome position (GRCh38, 1-based): chr14:45,176,331, C>G. VCF-style: chr14-45176331-C-G. GRCh37 (hg19) VCF-style: chr14-45645534-C-G.
Other names: c.3499C>G, p.Gln1167Glu (NM_001308133.2); short protein forms Q1167E, Q1193E.
Identifiers: ClinVar variation 3364897 (VCV003364897.2).